The following is an entry in ClinVar:

NM_001286445.3(RIPOR2):c.3100A>G (p.Lys1034Glu)

Gene: RIPOR2 (RHO family interacting cell polarization regulator 2; minus strand). Cytogenetic location: 6p22.3.
Variant type: single nucleotide variant.
Coding change: c.3100A>G on transcript NM_001286445.3 (MANE Select); coding-DNA position 3100, A replaced by G.
Protein change: p.Lys1034Glu; replaces lysine 1034 with glutamic acid.
Molecular consequence: missense variant.
Genome position (GRCh38, 1-based): chr6:24,806,417, T>C on the plus strand (A>G on the coding strand, the complement: RIPOR2 is on the minus strand). VCF-style: chr6-24806417-T-C. GRCh37 (hg19) VCF-style: chr6-24806645-T-C.
Other names: c.3013A>G, p.Lys1005Glu (NM_001346031.2, NM_001346032.2); c.3163A>G, p.Lys1055Glu (NM_014722.5); short protein forms K1005E, K1034E, K1055E.
Identifiers: ClinVar variation 4976055 (VCV004976055.1).

ClinVar aggregate classification (germline): Uncertain significance (1 of 4 stars; one submission).

Submission:

GeneDx
Classification: Uncertain significance. Last evaluated: 2026-02-07. Review status: criteria provided, single submitter. Criteria: GeneDx Variant Classification Process June 2021. Collection method: clinical testing. Allele origin: germline.
Comment: Not observed at significant frequency in large population cohorts (gnomAD); In silico analysis suggests that this missense variant does not alter protein structure/function; Has not been previously published as pathogenic or benign to our knowledge